The following is an entry in ClinVar:

ClinVar aggregate classification (germline): Uncertain significance (1 of 4 stars; one submission).

Submission:

Labcorp Genetics (formerly Invitae), Labcorp
Classification: Uncertain significance. Last evaluated: 2022-08-15. Review status: criteria provided, single submitter. Criteria: Invitae Variant Classification Sherloc (09022015). Collection method: clinical testing. Allele origin: germline.
Comment: In summary, the available evidence is currently insufficient to determine the role of this variant in disease. Therefore, it has been classified as a Variant of Uncertain Significance. Variants that disrupt the consensus splice site are a relatively common cause of aberrant splicing (PMID: 17576681, 9536098). This variant is also known as c.1285-2del. This variant has not been reported in the literature in individuals affected with PNPT1-related conditions. This variant is not present in population databases (gnomAD no frequency). This sequence change falls in intron 15 of the PNPT1 gene. It does not directly change the encoded amino acid sequence of the PNPT1 protein. It affects a nucleotide within the consensus splice site.

Literature cited by the submitters: PubMed 17576681; PubMed 9536098.

NM_033109.5(PNPT1):c.1285-2del

Gene: PNPT1 (polyribonucleotide nucleotidyltransferase 1; minus strand). Cytogenetic location: 2p16.1.
Variant type: Deletion.
Coding change: c.1285-2del on transcript NM_033109.5 (MANE Select); the canonical splice acceptor site of the intron before coding-DNA position 1285, one base deleted (A; older notation c.1285-2delA).
Molecular consequence: splice acceptor variant.
Genome position (GRCh38, 1-based): chr2:55,656,373, T deleted on the plus strand (A on the coding strand, the reverse complement: PNPT1 is on the minus strand); the first of 2 consecutive T bases (chr2:55,656,373-55,656,374); deleting either gives the same sequence. VCF-style (leftmost placement, unchanged base first): chr2-55656372-CT-C. GRCh37 (hg19) VCF-style: chr2-55883507-CT-C.
Identifiers: ClinVar variation 2097130 (VCV002097130.4), dbSNP rs1041805671, ClinGen allele CA47655386.